The following is an entry in ClinVar:

NM_000204.5(CFI):c.76G>A (p.Glu26Lys)

Gene: CFI (complement factor I; minus strand). Cytogenetic location: 4q25.
Variant type: single nucleotide variant.
Coding change: c.76G>A on transcript NM_000204.5 (MANE Select); coding-DNA position 76, G replaced by A.
Protein change: p.Glu26Lys; replaces glutamic acid 26 with lysine.
Molecular consequence: missense variant. On other transcripts: non-coding transcript variant (3), intron variant (1).
Genome position (GRCh38, 1-based): chr4:109,766,806, C>T on the plus strand (G>A on the coding strand, the complement: CFI is on the minus strand). VCF-style: chr4-109766806-C-T. GRCh37 (hg19) VCF-style: chr4-110687962-C-T.
Other names: c.76G>A, p.Glu26Lys (NM_001318057.2, NM_001331035.2, NM_001375278.1 and 10 more transcripts); c.-127-5114G>A (NM_001375284.1); short protein forms E26K.
Identifiers: ClinVar variation 4280464 (VCV004280464.1).

ClinVar aggregate classification (germline): Uncertain significance (1 of 4 stars; one submission).

Conditions:
CFI-related disorder. Also called: CFI-related condition; CFI-related disorders. Identifiers: MedGen CN239325.

Submission:

Genomenon, Inc
Classification: Uncertain significance for CFI-related disorder. Last evaluated: 2025-09-26. Review status: criteria provided, single submitter. Criteria: Genomenon Sequence Variant Interpretation Standards - Updated. Collection method: curation. Allele origin: germline. Affected: no.
Comment: CFI p.Glu26Lys (c.76G>A) is a missense variant that changes the amino acid at residue 26 from Glutamic acid to Lysine. To our knowledge, this variant has not been reported in patients affected with CFI-related disorders in the expected inheritance pattern in the published literature (PMID:23389237). It is absent or not present at a significant frequency in gnomAD. In silico models agree that this variant is not damaging. In conclusion, we classify CFI p.Glu26Lys (c.76G>A) as a variant of unknown significance.

Literature cited by the submitters: PubMed 23389237.